The following is an entry in ClinVar:

NM_000038.6(APC):c.6495A>C (p.Pro2165=)

Gene: APC (APC regulator of Wnt signaling pathway; plus strand). Cytogenetic location: 5q22.2.
Variant type: single nucleotide variant.
Coding change: c.6495A>C on transcript NM_000038.6 (MANE Select); coding-DNA position 6495, A replaced by C.
Protein change: p.Pro2165=; no amino-acid change (proline 2165 retained).
Molecular consequence: synonymous variant.
Genome position (GRCh38, 1-based): chr5:112,842,089, A>C. VCF-style: chr5-112842089-A-C. GRCh37 (hg19) VCF-style: chr5-112177786-A-C.
Other names: c.6495A>C, p.Pro2165= (NM_001127510.3, NM_001354895.2); c.6441A>C, p.Pro2147= (NM_001127511.3); c.6549A>C, p.Pro2183= (NM_001354896.2); c.6525A>C, p.Pro2175= (NM_001354897.2); c.6420A>C, p.Pro2140= (NM_001354898.2); c.6411A>C, p.Pro2137= (NM_001354899.2); c.6372A>C, p.Pro2124= (NM_001354900.2); c.6318A>C, p.Pro2106= (NM_001354901.2); and 5 more.
Identifiers: ClinVar variation 1673265 (VCV001673265.11), dbSNP rs2149966196, ClinGen allele CA446210594.

ClinVar aggregate classification (germline): Benign/Likely benign. Review status: criteria provided, multiple submitters, no conflicts (2 of 4 stars). 3 submissions from 3 submitters: Benign (1); Likely benign (2). Last evaluated 2024-04-04.

Conditions:
Hereditary cancer-predisposing syndrome. Also called: Tumor predisposition; Hereditary neoplastic syndrome; Hereditary Cancer Syndrome; Neoplastic Syndromes, Hereditary. Identifiers: Orphanet 140162, MedGen C0027672, MeSH D009386, MONDO:0015356.
Familial adenomatous polyposis 1 (FAP1). Also called: FAMILIAL ADENOMATOUS POLYPOSIS 1, ATTENUATED; POLYPOSIS, ADENOMATOUS INTESTINAL. Identifiers: MedGen C2713442, MONDO:0021056, OMIM 175100. Disease mechanism: loss of function.

gnomAD v4.1: 1 of 1,611,078 alleles (0.000062%); highest among the groups gnomAD compares: Non-Finnish European, 0.000085%; no homozygotes.

Submissions (3):

Myriad Genetics, Inc.
Classification: Benign for Familial adenomatous polyposis 1. Last evaluated: 2024-04-04. Review status: criteria provided, single submitter. Criteria: Myriad Autosomal Dominant, Autosomal Recessive and X-Linked Classification Criteria (2023). Collection method: clinical testing. Allele origin: unknown.
Comment: This variant is considered benign. This variant is a silent/synonymous amino acid change and it is not expected to impact splicing.

Ambry Genetics
Classification: Likely benign for Hereditary cancer-predisposing syndrome. Last evaluated: 2022-04-09. Review status: criteria provided, single submitter. Criteria: Ambry Variant Classification Scheme 2023. Collection method: clinical testing. Allele origin: germline.

Labcorp Genetics (formerly Invitae), Labcorp
Classification: Likely benign for Familial adenomatous polyposis 1. Last evaluated: 2021-07-07. Review status: criteria provided, single submitter. Criteria: Invitae Variant Classification Sherloc (09022015). Collection method: clinical testing. Allele origin: germline.